The following is an entry in ClinVar:

ClinVar aggregate classification (germline): Benign. Review status: criteria provided, multiple submitters, no conflicts (2 of 4 stars). 7 submissions from 4 submitters: Benign (7). Last evaluated 2023-04-11.

Conditions:
Congenital myopathy 18. Also called: DIHYDROPYRIDINE RECEPTOR CONGENITAL MYOPATHY; DHPR CONGENITAL MYOPATHY; Myopathy, congenital, due to dihydropyridine receptor defect. Identifiers: MedGen C5830283, MONDO:0859514, OMIM 620246.
Thyrotoxic periodic paralysis, susceptibility to, 1 (TTPP1). Identifiers: Orphanet 79102, MedGen C2749982, MONDO:0008570, OMIM 188580.
Malignant hyperthermia, susceptibility to, 5 (MHS5). Also called: CACNA1S-Related Malignant Hyperthermia Susceptibility. Identifiers: Orphanet 423, MedGen C1866077, MONDO:0011163, OMIM 601887.
Hypokalemic periodic paralysis, type 1. Also called: Hypokalemic Periodic Paralysis Type 1 (AD); HypoPP. Identifiers: Orphanet 681, MedGen C3714580, MONDO:0042979, OMIM 170400.

Allele frequency attached by ClinVar (database versions not stated): gnomAD exomes 0.00655; gnomAD 0.01915 and 0.02013; TOPMed 0.02061; 1000 Genomes Project 0.03814; 1000 Genomes Project 30x 0.03951.
gnomAD v4.1: 12,896 of 1,606,244 alleles (0.8%); highest among the groups gnomAD compares: African/African-American, 5.9%; 385 homozygotes.

Submissions (7):

Genome-Nilou Lab
Classification: Benign for Malignant hyperthermia, susceptibility to, 5. Last evaluated: 2023-04-11. Review status: criteria provided, single submitter. Criteria: ACMG Guidelines, 2015. Collection method: clinical testing. Allele origin: germline. Affected: no.

Genome-Nilou Lab
Classification: Benign for Thyrotoxic periodic paralysis, susceptibility to, 1. Last evaluated: 2023-04-11. Review status: criteria provided, single submitter. Criteria: ACMG Guidelines, 2015. Collection method: clinical testing. Allele origin: germline. Affected: no.

Genome-Nilou Lab
Classification: Benign for Congenital myopathy 18. Last evaluated: 2023-04-11. Review status: criteria provided, single submitter. Criteria: ACMG Guidelines, 2015. Collection method: clinical testing. Allele origin: germline. Affected: no.

Genome-Nilou Lab
Classification: Benign for Hypokalemic periodic paralysis, type 1. Last evaluated: 2023-04-11. Review status: criteria provided, single submitter. Criteria: ACMG Guidelines, 2015. Collection method: clinical testing. Allele origin: germline. Affected: no.

GeneDx
Classification: Benign. Last evaluated: 2018-06-16. Review status: criteria provided, single submitter. Criteria: GeneDx Variant Classification (06012015). Collection method: clinical testing. Allele origin: germline. Affected: yes.
Comment: This variant is considered likely benign or benign based on one or more of the following criteria: it is a conservative change, it occurs at a poorly conserved position in the protein, it is predicted to be benign by multiple in silico algorithms, and/or has population frequency not consistent with disease.

Illumina Laboratory Services, Illumina
Classification: Benign for Hypokalemic periodic paralysis, type 1. Last evaluated: 2018-01-13. Review status: criteria provided, single submitter. Criteria: ICSL Variant Classification Criteria 13 December 2019. Collection method: clinical testing. Allele origin: germline.
Comment: This variant was observed in the ICSL laboratory as part of a predisposition screen in an ostensibly healthy population. It had not been previously curated by ICSL or reported in the Human Gene Mutation Database (HGMD: prior to June 1st, 2018), and was therefore a candidate for classification through an automated scoring system. Utilizing variant allele frequency, disease prevalence and penetrance estimates, and inheritance mode, an automated score was calculated to assess if this variant is too frequent to cause the disease. Based on the score and internal cut-off values, a variant classified as benign is not then subjected to further curation. The score for this variant resulted in a classification of benign for this disease.

Breakthrough Genomics
Classification: Benign. Review status: criteria provided, single submitter. Criteria: ACMG Guidelines, 2015. Collection method: not provided. Allele origin: germline. Inheritance: Autosomal dominant inheritance. Affected: yes.

NM_000069.3(CACNA1S):c.-83C>T

Gene: CACNA1S (calcium voltage-gated channel subunit alpha1 S; minus strand). Cytogenetic location: 1q32.1.
Variant type: single nucleotide variant.
Coding change: c.-83C>T on transcript NM_000069.3 (MANE Select); 83 bases upstream of the start codon, C replaced by T.
Molecular consequence: 5 prime UTR variant.
Genome position (GRCh38, 1-based): chr1:201,112,422, G>A on the plus strand (C>T on the coding strand, the complement: CACNA1S is on the minus strand). VCF-style: chr1-201112422-G-A. GRCh37 (hg19) VCF-style: chr1-201081550-G-A.
Identifiers: ClinVar variation 294789 (VCV000294789.8), dbSNP rs116071603, ClinGen allele CA10608741.